The following is an entry in ClinVar:

ClinVar aggregate classification (germline): Uncertain significance (1 of 4 stars; one submission).

Conditions:
Pityriasis rubra pilaris (PRP). Also called: Pityriasis rubra pilaris--familial type. Identifiers: Orphanet 2897, MedGen C0032027, MONDO:0100017, OMIM 173200, MONDO:0008251.
Psoriasis 2. Identifiers: MedGen C1864497, MONDO:0011269, OMIM 602723.

Allele frequency attached by ClinVar (database versions not stated): gnomAD exomes below 0.00001; TOPMed below 0.00001.
gnomAD v4.1: 2 of 1,492,596 alleles (0.00013%); highest among the groups gnomAD compares: Non-Finnish European, 0.00018%; no homozygotes.

Submission:

Labcorp Genetics (formerly Invitae), Labcorp
Classification: Uncertain significance for Pityriasis rubra pilaris; Psoriasis 2. Last evaluated: 2018-10-14. Review status: criteria provided, single submitter. Criteria: Invitae Variant Classification Sherloc (09022015). Collection method: clinical testing. Allele origin: germline.
Comment: Nucleotide substitutions within the consensus splice site are a relatively common cause of aberrant splicing (PMID: 17576681, 9536098). Algorithms developed to predict the effect of sequence changes on RNA splicing suggest that this variant may disrupt the consensus splice site, but this prediction has not been confirmed by published transcriptional studies. In summary, the available evidence is currently insufficient to determine the role of this variant in disease. Therefore, it has been classified as a Variant of Uncertain Significance. This variant has not been reported in the literature in individuals with CARD14-related disease. This sequence change falls in intron 5 of the CARD14 gene. It does not directly change the encoded amino acid sequence of the CARD14 protein, but it affects a nucleotide within the consensus splice site of the intron. This variant is not present in population databases (ExAC no frequency).

Literature cited by the submitters: PubMed 17576681; PubMed 9536098.

NM_001366385.1(CARD14):c.843+5G>A

Gene: CARD14 (caspase recruitment domain family member 14; plus strand). Cytogenetic location: 17q25.3.
Variant type: single nucleotide variant.
Coding change: c.843+5G>A on transcript NM_001366385.1 (MANE Select); 5 bases into the intron after coding-DNA position 843, G replaced by A.
Molecular consequence: intron variant.
Genome position (GRCh38, 1-based): chr17:80,188,549, G>A. VCF-style: chr17-80188549-G-A. GRCh37 (hg19) VCF-style: chr17-78162348-G-A.
Other names: c.843+5G>A (NM_024110.4, NM_001257970.1); c.132+5G>A (NM_052819.3).
Identifiers: ClinVar variation 652626 (VCV000652626.7), dbSNP rs1598649505, ClinGen allele CA915952237.